The following is an entry in ClinVar:

ClinVar aggregate classification (germline): Uncertain significance. Review status: criteria provided, multiple submitters, no conflicts (2 of 4 stars). 2 submissions from 2 submitters: Uncertain significance (2). Last evaluated 2025-04-23.

Conditions:
F12-related disorder. Also called: F12-related disorders; F12-related condition. Identifiers: MedGen CN239389.

Submissions (2):

PreventionGenetics, part of Exact Sciences
Classification: Uncertain significance for F12-related condition. Last evaluated: 2025-04-23. Review status: criteria provided, single submitter. Criteria: ACMG Guidelines, 2015. Collection method: clinical testing. Allele origin: germline.
Comment: The F12 c.1668delC variant is predicted to result in a frameshift and premature protein termination (p.Asp557Metfs*107). To our knowledge, this variant has not been reported in the literature. This variant is reported in 0.00091% of alleles in individuals of European (Non-Finnish) descent in gnomAD. At this time, the clinical significance of this variant is uncertain due to the absence of conclusive functional and genetic evidence.

Labcorp Genetics (formerly Invitae), Labcorp
Classification: Uncertain significance. Last evaluated: 2021-07-14. Review status: criteria provided, single submitter. Criteria: Invitae Variant Classification Sherloc (09022015). Collection method: clinical testing. Allele origin: germline.
Comment: This sequence change results in a frameshift in the F12 gene (p.Asp557Metfs*107). While this is not anticipated to result in nonsense mediated decay, it is expected to disrupt the last 59 amino acid(s) of the F12 protein and extend the protein by 47 additional amino acid residues. This variant is not present in population databases (ExAC no frequency). This variant has not been reported in the literature in individuals affected with F12-related conditions. In summary, the available evidence is currently insufficient to determine the role of this variant in disease. Therefore, it has been classified as a Variant of Uncertain Significance.

NM_000505.4(F12):c.1668del (p.Asp557fs)

Gene: F12 (coagulation factor XII; minus strand). Cytogenetic location: 5q35.3.
Variant type: Deletion.
Coding change: c.1668del on transcript NM_000505.4 (MANE Select); coding-DNA position 1668, one base deleted (C; older notation c.1668delC).
Protein change: p.Asp557fs; shifts the reading frame from aspartic acid 557.
Molecular consequence: frameshift variant.
Genome position (GRCh38, 1-based): chr5:177,402,562, G deleted on the plus strand (C on the coding strand, the reverse complement: F12 is on the minus strand); the first of 2 consecutive G bases (chr5:177,402,562-177,402,563); deleting either gives the same sequence. VCF-style (leftmost placement, unchanged base first): chr5-177402561-CG-C. GRCh37 (hg19) VCF-style: chr5-176829562-CG-C.
Other names: c.1668delC (NM_000505.3); short protein forms D557fs.
Identifiers: ClinVar variation 1036898 (VCV001036898.7), dbSNP rs1561639482, ClinGen allele CA564899852.